The following is an entry in ClinVar:

ClinVar aggregate classification (germline): Uncertain significance. Review status: criteria provided, multiple submitters, no conflicts (2 of 4 stars). 2 submissions from 2 submitters: Uncertain significance (2). Last evaluated 2026-02-16.

Conditions:
Hereditary cancer-predisposing syndrome. Also called: Tumor predisposition; Neoplastic Syndromes, Hereditary; Hereditary Cancer Syndrome; Hereditary neoplastic syndrome. Identifiers: Orphanet 140162, MedGen C0027672, MeSH D009386, MONDO:0015356.
DICER1-related tumor predisposition. Also called: DICER1-related pleuropulmonary blastoma cancer predisposition syndrome; DICER1 syndrome. Identifiers: Orphanet 284343, MedGen C3839822, MONDO:0100216.

gnomAD v4.1: 1 of 1,614,152 alleles (0.000062%); no homozygotes.

Submissions (2):

Ambry Genetics
Classification: Uncertain significance for Hereditary cancer-predisposing syndrome. Last evaluated: 2026-02-16. Review status: criteria provided, single submitter. Criteria: Ambry Variant Classification Scheme 2023. Collection method: clinical testing. Allele origin: germline.
Comment: The p.V715I variant (also known as c.2143G>A), located in coding exon 13 of the DICER1 gene, results from a G to A substitution at nucleotide position 2143. The valine at codon 715 is replaced by isoleucine, an amino acid with highly similar properties. This amino acid position is conserved. In addition, this alteration is predicted to be tolerated by in silico analysis. Based on the available evidence, the clinical significance of this variant remains unclear.

Labcorp Genetics (formerly Invitae), Labcorp
Classification: Uncertain significance for DICER1-related tumor predisposition. Last evaluated: 2024-01-03. Review status: criteria provided, single submitter. Criteria: Invitae Variant Classification Sherloc (09022015). Collection method: clinical testing. Allele origin: germline.
Comment: This sequence change replaces valine, which is neutral and non-polar, with isoleucine, which is neutral and non-polar, at codon 715 of the DICER1 protein (p.Val715Ile). This variant is not present in population databases (gnomAD no frequency). This variant has not been reported in the literature in individuals affected with DICER1-related conditions. Advanced modeling of protein sequence and biophysical properties (such as structural, functional, and spatial information, amino acid conservation, physicochemical variation, residue mobility, and thermodynamic stability) performed at Invitae indicates that this missense variant is not expected to disrupt DICER1 protein function with a negative predictive value of 80%. In summary, the available evidence is currently insufficient to determine the role of this variant in disease. Therefore, it has been classified as a Variant of Uncertain Significance.

NM_177438.3(DICER1):c.2143G>A (p.Val715Ile)

Gene: DICER1 (dicer 1, ribonuclease III; minus strand). Cytogenetic location: 14q32.13.
Variant type: single nucleotide variant.
Coding change: c.2143G>A on transcript NM_177438.3 (MANE Select); coding-DNA position 2143, G replaced by A.
Protein change: p.Val715Ile; replaces valine 715 with isoleucine.
Molecular consequence: missense variant. On other transcripts: non-coding transcript variant (6).
Genome position (GRCh38, 1-based): chr14:95,111,430, C>T on the plus strand (G>A on the coding strand, the complement: DICER1 is on the minus strand). VCF-style: chr14-95111430-C-T. GRCh37 (hg19) VCF-style: chr14-95577767-C-T.
Other names: c.2143G>A, p.Val715Ile (NM_001195573.1, NM_001271282.3, NM_001291628.2 and 13 more transcripts); c.1861G>A, p.Val621Ile (NM_001395686.1); c.1738G>A, p.Val580Ile (NM_001395687.1, NM_001395688.1, NM_001395689.1 and 3 more transcripts); c.1576G>A, p.Val526Ile (NM_001395691.1); c.460G>A, p.Val154Ile (NM_001395697.1); short protein forms V526I, V621I, V715I, V580I, V154I.
Identifiers: ClinVar variation 2822140 (VCV002822140.4), dbSNP rs1254898247, ClinGen allele CA390882844.